The following is an entry in ClinVar:

ClinVar aggregate classification (germline): Uncertain significance (1 of 4 stars; one submission).

Allele frequency attached by ClinVar (database versions not stated): TOPMed below 0.00001; gnomAD 0.00001; gnomAD exomes 0.00001; ExAC 0.00002.
gnomAD v4.1: 9 of 1,613,968 alleles (0.00056%); highest among the groups gnomAD compares: Admixed American, 0.005%; no homozygotes.

Submission:

Labcorp Genetics (formerly Invitae), Labcorp
Classification: Uncertain significance. Last evaluated: 2024-11-11. Review status: criteria provided, single submitter. Criteria: Invitae Variant Classification Sherloc (09022015). Collection method: clinical testing. Allele origin: germline.
Comment: This sequence change replaces serine, which is neutral and polar, with glycine, which is neutral and non-polar, at codon 605 of the WFS1 protein (p.Ser605Gly). This variant is present in population databases (rs781426098, gnomAD 0.003%). This variant has not been reported in the literature in individuals affected with WFS1-related conditions. ClinVar contains an entry for this variant (Variation ID: 2152069). Invitae Evidence Modeling of protein sequence and biophysical properties (such as structural, functional, and spatial information, amino acid conservation, physicochemical variation, residue mobility, and thermodynamic stability) indicates that this missense variant is not expected to disrupt WFS1 protein function with a negative predictive value of 80%. In summary, the available evidence is currently insufficient to determine the role of this variant in disease. Therefore, it has been classified as a Variant of Uncertain Significance.

NM_006005.3(WFS1):c.1813A>G (p.Ser605Gly)

Gene: WFS1 (wolframin ER transmembrane glycoprotein; plus strand). Cytogenetic location: 4p16.1.
Variant type: single nucleotide variant.
Coding change: c.1813A>G on transcript NM_006005.3 (MANE Select); coding-DNA position 1813, A replaced by G.
Protein change: p.Ser605Gly; replaces serine 605 with glycine.
Molecular consequence: missense variant.
Genome position (GRCh38, 1-based): chr4:6,301,608, A>G. VCF-style: chr4-6301608-A-G. GRCh37 (hg19) VCF-style: chr4-6303335-A-G.
Other names: c.1813A>G, p.Ser605Gly (NM_001145853.1); short protein forms S605G.
Identifiers: ClinVar variation 2152069 (VCV002152069.4), dbSNP rs781426098, ClinGen allele CA2839504.